The following is an entry in ClinVar:

NM_004714.3(DYRK1B):c.1009C>T (p.Leu337=)

Gene: DYRK1B (dual specificity tyrosine phosphorylation regulated kinase 1B; minus strand). Cytogenetic location: 19q13.2.
Variant type: single nucleotide variant.
Coding change: c.1009C>T on transcript NM_004714.3 (MANE Select); coding-DNA position 1009, C replaced by T.
Protein change: p.Leu337=; no amino-acid change (leucine 337 retained).
Molecular consequence: synonymous variant.
Genome position (GRCh38, 1-based): chr19:39,827,371, G>A on the plus strand (C>T on the coding strand, the complement: DYRK1B is on the minus strand). VCF-style: chr19-39827371-G-A. GRCh37 (hg19) VCF-style: chr19-40318011-G-A.
Other names: c.1009C>T (NM_004714.2); c.1009C>T, p.Leu337= (NM_006483.3, NM_006484.3).
Identifiers: ClinVar variation 2985413 (VCV002985413.4), dbSNP rs1302053863, ClinGen allele CA507664680.
Genomic context (GRCh38, chr19:39,827,371, plus strand): 5'-GGGTCCAGCCACCCCCAGGCAGCCGTTCAAAGTACTTGCGAGCCTTGGGCGCCTGGTCCA[G>A]CATGGCGGCCGGTGGGATGCCCAGCACCTCCACAATGCGGTTCATCTGGTCGACCTGTGA-3'
Protein context (NP_004705.1, residues 327-347): EVLGIPPAAM[Leu337=]DQAPKARKYF

ClinVar aggregate classification (germline): Likely benign. Review status: criteria provided, multiple submitters, no conflicts (2 of 4 stars). 2 submissions from 2 submitters: Likely benign (2). Last evaluated 2026-09-17.

Conditions:
DYRK1B-related disorder. Also called: DYRK1B-related condition.

Allele frequency attached by ClinVar (database versions not stated): gnomAD exomes 0.00001; TOPMed 0.00002.
gnomAD v4.1: 6 of 1,613,800 alleles (0.00037%); highest among the groups gnomAD compares: Admixed American, 0.0017%; no homozygotes.

Submissions (2):

PreventionGenetics, part of Exact Sciences
Classification: Likely benign for DYRK1B-related condition. Last evaluated: 2026-09-17. Review status: criteria provided, single submitter. Criteria: ACMG Guidelines, 2015. Collection method: clinical testing. Allele origin: germline.
Comment: This variant is classified as likely benign based on ACMG/AMP sequence variant interpretation guidelines (Richards et al. 2015 PMID: 25741868, with internal and published modifications).

Labcorp Genetics (formerly Invitae), Labcorp
Classification: Likely benign. Last evaluated: 2025-02-06. Review status: criteria provided, single submitter. Criteria: Invitae Variant Classification Sherloc (09022015). Collection method: clinical testing. Allele origin: germline.